The following is an entry in ClinVar:

ClinVar aggregate classification (germline): Uncertain significance (1 of 4 stars; one submission).

Conditions:
GLUT1 deficiency syndrome 1, autosomal recessive. Identifiers: MedGen C3149117.

Allele frequency attached by ClinVar (database versions not stated): gnomAD 0.00001; TOPMed 0.00001.
gnomAD v4.1: 1 of 1,614,050 alleles (0.000062%); highest among the groups gnomAD compares: African/African-American, 0.0013%; no homozygotes.

Submission:

Labcorp Genetics (formerly Invitae), Labcorp
Classification: Uncertain significance for GLUT1 deficiency syndrome 1, autosomal recessive. Last evaluated: 2025-11-23. Review status: criteria provided, single submitter. Criteria: Invitae Variant Classification Sherloc (09022015). Collection method: clinical testing. Allele origin: germline.
Comment: This sequence change replaces aspartic acid, which is acidic and polar, with valine, which is neutral and non-polar, at codon 461 of the SLC2A1 protein (p.Asp461Val). This variant is not present in population databases (gnomAD no frequency). This variant has not been reported in the literature in individuals affected with SLC2A1-related conditions. ClinVar contains an entry for this variant (Variation ID: 2805211). Invitae Evidence Modeling of protein sequence and biophysical properties (such as structural, functional, and spatial information, amino acid conservation, physicochemical variation, residue mobility, and thermodynamic stability) has been performed for this missense variant. However, the output from this modeling did not meet the statistical confidence thresholds required to predict the impact of this variant on SLC2A1 protein function. In summary, the available evidence is currently insufficient to determine the role of this variant in disease. Therefore, it has been classified as a Variant of Uncertain Significance.

NM_006516.4(SLC2A1):c.1382A>T (p.Asp461Val)

Gene: SLC2A1 (solute carrier family 2 member 1; minus strand). Cytogenetic location: 1p34.2.
Variant type: single nucleotide variant.
Coding change: c.1382A>T on transcript NM_006516.4 (MANE Select); coding-DNA position 1382, A replaced by T.
Protein change: p.Asp461Val; replaces aspartic acid 461 with valine.
Molecular consequence: missense variant.
Genome position (GRCh38, 1-based): chr1:42,927,138, T>A on the plus strand (A>T on the coding strand, the complement: SLC2A1 is on the minus strand). VCF-style: chr1-42927138-T-A. GRCh37 (hg19) VCF-style: chr1-43392809-T-A.
Other names: short protein forms D461V.
Identifiers: ClinVar variation 2805211 (VCV002805211.3), dbSNP rs1047721769, ClinGen allele CA21248787.